The following is an entry in ClinVar:

NM_033100.4(CDHR1):c.1513G>A (p.Gly505Ser)

Gene: CDHR1 (cadherin related family member 1; plus strand). Cytogenetic location: 10q23.1.
Variant type: single nucleotide variant.
Coding change: c.1513G>A on transcript NM_033100.4 (MANE Select); coding-DNA position 1513, G replaced by A.
Protein change: p.Gly505Ser; replaces glycine 505 with serine.
Molecular consequence: missense variant.
Genome position (GRCh38, 1-based): chr10:84,211,675, G>A. VCF-style: chr10-84211675-G-A. GRCh37 (hg19) VCF-style: chr10-85971431-G-A.
Other names: c.1513G>A, p.Gly505Ser (NM_001171971.3); short protein forms G505S.
Identifiers: ClinVar variation 1380321 (VCV001380321.6), dbSNP rs2132829051, ClinGen allele CA377377189.

ClinVar aggregate classification (germline): Uncertain significance (1 of 4 stars; one submission).

Allele frequency attached by ClinVar (database versions not stated): gnomAD exomes below 0.00001.
gnomAD v4.1: 2 of 1,614,160 alleles (0.00012%); highest among the groups gnomAD compares: Non-Finnish European, 0.00017%; no homozygotes.

Submission:

Labcorp Genetics (formerly Invitae), Labcorp
Classification: Uncertain significance. Last evaluated: 2021-09-09. Review status: criteria provided, single submitter. Criteria: Invitae Variant Classification Sherloc (09022015). Collection method: clinical testing. Allele origin: germline.
Comment: This sequence change replaces glycine with serine at codon 505 of the CDHR1 protein (p.Gly505Ser). The glycine residue is highly conserved and there is a small physicochemical difference between glycine and serine. This variant is not present in population databases (ExAC no frequency). This variant has not been reported in the literature in individuals affected with CDHR1-related conditions. Advanced modeling of protein sequence and biophysical properties (such as structural, functional, and spatial information, amino acid conservation, physicochemical variation, residue mobility, and thermodynamic stability) performed at Invitae indicates that this missense variant is not expected to disrupt CDHR1 protein function. In summary, the available evidence is currently insufficient to determine the role of this variant in disease. Therefore, it has been classified as a Variant of Uncertain Significance.